The following is an entry in ClinVar:

NM_005585.5(SMAD6):c.837C>A (p.Tyr279Ter)

Gene: SMAD6 (SMAD family member 6; plus strand). Cytogenetic location: 15q22.31.
Variant type: single nucleotide variant.
Coding change: c.837C>A on transcript NM_005585.5 (MANE Select); coding-DNA position 837, C replaced by A.
Protein change: p.Tyr279Ter; replaces tyrosine 279 with a stop codon.
Molecular consequence: nonsense. On other transcripts: non-coding transcript variant (1).
Genome position (GRCh38, 1-based): chr15:66,711,687, C>A. VCF-style: chr15-66711687-C-A. GRCh37 (hg19) VCF-style: chr15-67004025-C-A.
Other names: short protein forms Y279*.
Identifiers: ClinVar variation 4710190 (VCV004710190.1).

ClinVar aggregate classification (germline): Uncertain significance (1 of 4 stars; one submission).

Conditions:
Aortic valve disease 2 (AOVD2). Identifiers: MedGen C3542024, MONDO:0013902, OMIM 614823.

gnomAD v4.1: 1 of 1,614,008 alleles (0.000062%); highest among the groups gnomAD compares: Non-Finnish European, 0.000085%; no homozygotes.

Submission:

Labcorp Genetics (formerly Invitae), Labcorp
Classification: Uncertain significance for Aortic valve disease 2. Last evaluated: 2025-08-31. Review status: criteria provided, single submitter. Criteria: Invitae Variant Classification Sherloc (09022015). Collection method: clinical testing. Allele origin: germline.
Comment: This sequence change creates a premature translational stop signal (p.Tyr279*) in the SMAD6 gene. It is expected to result in an absent or disrupted protein product. However, the current clinical and genetic evidence is not sufficient to establish whether loss-of-function variants in SMAD6 cause disease. This variant is not present in population databases (gnomAD no frequency). This premature translational stop signal has been observed in individual(s) with SMAD6-related conditions (PMID: 28659821, 31138930, 32499606). In summary, the available evidence is currently insufficient to determine the role of this variant in disease. Therefore, it has been classified as a Variant of Uncertain Significance.

Literature cited by the submitters: PubMed 28659821; PubMed 31138930; PubMed 32499606.